The following is an entry in ClinVar:

ClinVar aggregate classification (germline): Uncertain significance (1 of 4 stars; one submission).

Conditions:
Autoimmune lymphoproliferative syndrome type 2A (ALPS2A). Also called: CASP10-Related Autoimmune Lymphoproliferative Syndrome; AUTOIMMUNE LYMPHOPROLIFERATIVE SYNDROME, TYPE IIA; Autoimmune lymphoproliferative syndrome type 2. Identifiers: Orphanet 3261, MedGen C1858968, MONDO:0011383, OMIM 603909.

Submission:

Labcorp Genetics (formerly Invitae), Labcorp
Classification: Uncertain significance for Autoimmune lymphoproliferative syndrome type 2A. Last evaluated: 2025-06-12. Review status: criteria provided, single submitter. Criteria: Invitae Variant Classification Sherloc (09022015). Collection method: clinical testing. Allele origin: germline.
Comment: This sequence change replaces arginine, which is basic and polar, with glycine, which is neutral and non-polar, at codon 508 of the CASP10 protein (p.Arg508Gly). This variant is not present in population databases (gnomAD no frequency). This variant has not been reported in the literature in individuals affected with CASP10-related conditions. ClinVar contains an entry for this variant (Variation ID: 3751527). An algorithm developed to predict the effect of missense changes on protein structure and function (PolyPhen-2) suggests that this variant is likely to be disruptive. In summary, the available evidence is currently insufficient to determine the role of this variant in disease. Therefore, it has been classified as a Variant of Uncertain Significance.

NM_032977.4(CASP10):c.1522A>G (p.Arg508Gly)

Gene: CASP10 (caspase 10; plus strand). Cytogenetic location: 2q33.1.
Variant type: single nucleotide variant.
Coding change: c.1522A>G on transcript NM_032977.4 (MANE Select); coding-DNA position 1522, A replaced by G.
Protein change: p.Arg508Gly; replaces arginine 508 with glycine.
Molecular consequence: missense variant. On other transcripts: 3 prime UTR variant (1), intron variant (2).
Genome position (GRCh38, 1-based): chr2:201,217,694, A>G. VCF-style: chr2-201217694-A-G. GRCh37 (hg19) VCF-style: chr2-202082417-A-G.
Other names: c.1321A>G, p.Arg441Gly (NM_001206524.2); c.1393A>G, p.Arg465Gly (NM_001230.5); c.*608A>G (NM_032976.4); c.1415+8132A>G (NM_032974.5); c.1286+8132A>G (NM_001206542.2); short protein forms R441G, R465G, R508G.
Identifiers: ClinVar variation 3751527 (VCV003751527.2).